The following is an entry in ClinVar:

ClinVar aggregate classification (germline): Uncertain significance. Review status: criteria provided, multiple submitters, no conflicts (2 of 4 stars). 3 submissions from 3 submitters: Uncertain significance (3). Last evaluated 2022-05-04.

Conditions:
Tumor predisposition syndrome 3 (TPDS3). Also called: Glioma susceptibility 9; LONG TELOMERE SYNDROME, POT1-RELATED; POT1 Tumor Predisposition; Melanoma, cutaneous malignant, susceptibility to, 10. Identifiers: Orphanet 618, MedGen C4014476, MONDO:0014368, OMIM 615848.
Hereditary cancer-predisposing syndrome. Also called: Neoplastic Syndromes, Hereditary; Hereditary Cancer Syndrome; Hereditary neoplastic syndrome; Tumor predisposition. Identifiers: Orphanet 140162, MedGen C0027672, MeSH D009386, MONDO:0015356.

Submissions (3):

Mendelics
Classification: Uncertain significance. Last evaluated: 2022-05-04. Review status: criteria provided, single submitter. Criteria: Mendelics Assertion Criteria 2019. Collection method: clinical testing. Allele origin: germline.

Ambry Genetics
Classification: Uncertain significance for Hereditary cancer-predisposing syndrome. Last evaluated: 2022-03-16. Review status: criteria provided, single submitter. Criteria: Ambry Variant Classification Scheme 2023. Collection method: clinical testing. Allele origin: germline.
Comment: The p.M560L variant (also known as c.1678A>C), located in coding exon 13 of the POT1 gene, results from an A to C substitution at nucleotide position 1678. The methionine at codon 560 is replaced by leucine, an amino acid with highly similar properties. This amino acid position is conserved. In addition, this alteration is predicted to be tolerated by in silico analysis. Since supporting evidence is limited at this time, the clinical significance of this alteration remains unclear.

Labcorp Genetics (formerly Invitae), Labcorp
Classification: Uncertain significance for Tumor predisposition syndrome 3. Last evaluated: 2020-06-05. Review status: criteria provided, single submitter. Criteria: Invitae Variant Classification Sherloc (09022015). Collection method: clinical testing. Allele origin: germline.
Comment: This sequence change replaces methionine with leucine at codon 560 of the POT1 protein (p.Met560Leu). The methionine residue is moderately conserved and there is a small physicochemical difference between methionine and leucine. This variant is not present in population databases (ExAC no frequency). This variant has not been reported in the literature in individuals with POT1-related conditions. Algorithms developed to predict the effect of missense changes on protein structure and function (SIFT, PolyPhen-2, Align-GVGD) all suggest that this variant is likely to be tolerated, but these predictions have not been confirmed by published functional studies and their clinical significance is uncertain. In summary, the available evidence is currently insufficient to determine the role of this variant in disease. Therefore, it has been classified as a Variant of Uncertain Significance.

NM_015450.3(POT1):c.1678A>C (p.Met560Leu)

Gene: POT1 (protection of telomeres 1; minus strand). Cytogenetic location: 7q31.33.
Variant type: single nucleotide variant.
Coding change: c.1678A>C on transcript NM_015450.3 (MANE Select); coding-DNA position 1678, A replaced by C.
Protein change: p.Met560Leu; replaces methionine 560 with leucine.
Molecular consequence: missense variant. On other transcripts: non-coding transcript variant (3).
Genome position (GRCh38, 1-based): chr7:124,827,222, T>G on the plus strand (A>C on the coding strand, the complement: POT1 is on the minus strand). VCF-style: chr7-124827222-T-G. GRCh37 (hg19) VCF-style: chr7-124467276-T-G.
Other names: c.1285A>C, p.Met429Leu (NM_001042594.2); short protein forms M429L, M560L.
Identifiers: ClinVar variation 1023081 (VCV001023081.12), dbSNP rs1351302431, ClinGen allele CA369062866.